The following is an entry in ClinVar:

ClinVar aggregate classification (germline): Uncertain significance. Review status: criteria provided, multiple submitters, no conflicts (2 of 4 stars). 4 submissions from 4 submitters: Uncertain significance (3). 1 of the submissions does not count toward it. Last evaluated 2022-03-15.

Conditions:
Autosomal recessive polycystic kidney disease (ARPKD). Also called: AR polycystic kidney disease. Identifiers: Orphanet 731, Orphanet 8378, MedGen C0085548, MeSH D017044, MONDO:0009889.
Polycystic kidney disease 4 (PKD4). Also called: POLYCYSTIC KIDNEY DISEASE 4 WITH OR WITHOUT POLYCYSTIC LIVER DISEASE; PKD3; POLYCYSTIC KIDNEY AND HEPATIC DISEASE 1; POLYCYSTIC KIDNEY DISEASE, INFANTILE, TYPE I; Autosomal Recessive Polycystic Kidney Disease – PKHD1. Identifiers: MedGen C4540575, MONDO:0033004, OMIM 263200.

Allele frequency attached by ClinVar (database versions not stated): gnomAD exomes below 0.00001.
gnomAD v4.1: 1 of 1,613,820 alleles (0.000062%); highest among the groups gnomAD compares: Non-Finnish European, 0.000085%; no homozygotes.

Submissions (4):

Fulgent Genetics
Classification: Uncertain significance for Polycystic kidney disease 4. Last evaluated: 2022-03-15. Review status: criteria provided, single submitter. Criteria: ACMG Guidelines, 2015. Collection method: clinical testing. Allele origin: unknown.

Labcorp Genetics (formerly Invitae), Labcorp
Classification: Uncertain significance for Autosomal recessive polycystic kidney disease. Last evaluated: 2021-08-27. Review status: criteria provided, single submitter. Criteria: Invitae Variant Classification Sherloc (09022015). Collection method: clinical testing. Allele origin: germline.
Comment: This sequence change replaces asparagine with serine at codon 3488 of the PKHD1 protein (p.Asn3488Ser). The asparagine residue is moderately conserved and there is a small physicochemical difference between asparagine and serine. This variant is not present in population databases (ExAC no frequency). This variant has not been reported in the literature in individuals affected with PKHD1-related conditions. Algorithms developed to predict the effect of missense changes on protein structure and function output the following: SIFT: "Tolerated"; PolyPhen-2: "Benign"; Align-GVGD: "Class C0". The serine amino acid residue is found in multiple mammalian species, which suggests that this missense change does not adversely affect protein function. In summary, the available evidence is currently insufficient to determine the role of this variant in disease. Therefore, it has been classified as a Variant of Uncertain Significance.

Illumina Laboratory Services, Illumina
Classification: Uncertain significance for Polycystic kidney disease 4. Last evaluated: 2018-01-12. Review status: criteria provided, single submitter. Criteria: ICSL Variant Classification Criteria 13 December 2019. Collection method: clinical testing. Allele origin: germline.

Natera, Inc.
Classification: Uncertain significance for Autosomal recessive polycystic kidney disease. Last evaluated: 2020-01-08. Review status: no assertion criteria provided. Collection method: clinical testing. Allele origin: germline. Not counted in ClinVar's aggregate classification.

NM_138694.4(PKHD1):c.10463A>G (p.Asn3488Ser)

Gene: PKHD1 (PKHD1 ciliary IPT domain containing fibrocystin/polyductin; minus strand). Cytogenetic location: 6p12.3.
Variant type: single nucleotide variant.
Coding change: c.10463A>G on transcript NM_138694.4 (MANE Select); coding-DNA position 10463, A replaced by G.
Protein change: p.Asn3488Ser; replaces asparagine 3488 with serine.
Molecular consequence: missense variant.
Genome position (GRCh38, 1-based): chr6:51,659,663, T>C on the plus strand (A>G on the coding strand, the complement: PKHD1 is on the minus strand). VCF-style: chr6-51659663-T-C. GRCh37 (hg19) VCF-style: chr6-51524461-T-C.
Other names: short protein forms N3488S.
Identifiers: ClinVar variation 648045 (VCV000648045.15), dbSNP rs1581894231, ClinGen allele CA364435034.
Genomic context (GRCh38, chr6:51,659,663, plus strand): 5'-ACGTGGGGGCTCTGGAGCTCATGGTAGAATACAGCCAAGAGAAGCTTGGAGGTACTTTTG[T>C]TCCCCAATAGAAAAAAGCGCAAAACTTGAGGAGTTTGATCCATGAAGCAGACTTTGGTGA-3'
Protein context (NP_619639.3, residues 3478-3498): PQVLRFFLLG[Asn3488Ser]KSTSKLLLAV